The following is an entry in ClinVar:

NM_001080.3(ALDH5A1):c.638G>A (p.Arg213Gln)

Gene: ALDH5A1 (aldehyde dehydrogenase 5 family member A1; plus strand). Cytogenetic location: 6p22.3.
Variant type: single nucleotide variant.
Coding change: c.638G>A on transcript NM_001080.3 (MANE Select); coding-DNA position 638, G replaced by A.
Protein change: p.Arg213Gln; replaces arginine 213 with glutamine.
Molecular consequence: missense variant.
Genome position (GRCh38, 1-based): chr6:24,504,897, G>A. VCF-style: chr6-24504897-G-A. GRCh37 (hg19) VCF-style: chr6-24505125-G-A.
Other names: c.638G>A, p.Arg213Gln (NM_001368954.1, NM_170740.1); short protein forms R213Q.
Identifiers: ClinVar variation 2150568 (VCV002150568.5), dbSNP rs553257538, ClinGen allele CA3656682.

ClinVar aggregate classification (germline): Uncertain significance. Review status: criteria provided, multiple submitters, no conflicts (2 of 4 stars). 2 submissions from 2 submitters: Uncertain significance (2). Last evaluated 2024-01-22.

Conditions:
Succinate-semialdehyde dehydrogenase deficiency (SSADHD). Also called: GABA METABOLIC DEFECT; SSADH DEFICIENCY; Succinic Semialdehyde Dehydrogenase Deficiency; 4-HYDROXYBUTYRIC ACIDURIA. Identifiers: Orphanet 22, MedGen C0268631, MONDO:0010083, OMIM 271980.

Allele frequency attached by ClinVar (database versions not stated): ExAC 0.00001; gnomAD 0.00001; gnomAD exomes 0.00001; TOPMed 0.00001; 1000 Genomes Project 30x 0.00016; 1000 Genomes Project 0.00020.
gnomAD v4.1: 19 of 1,614,178 alleles (0.0012%); highest among the groups gnomAD compares: Non-Finnish European, 0.0014%; no homozygotes.

Submissions (2):

Labcorp Genetics (formerly Invitae), Labcorp
Classification: Uncertain significance for Succinate-semialdehyde dehydrogenase deficiency. Last evaluated: 2024-01-22. Review status: criteria provided, single submitter. Criteria: Invitae Variant Classification Sherloc (09022015). Collection method: clinical testing. Allele origin: germline.
Comment: This sequence change replaces arginine, which is basic and polar, with glutamine, which is neutral and polar, at codon 213 of the ALDH5A1 protein (p.Arg213Gln). This variant is present in population databases (rs553257538, gnomAD 0.01%). This variant has not been reported in the literature in individuals affected with ALDH5A1-related conditions. ClinVar contains an entry for this variant (Variation ID: 2150568). Advanced modeling of protein sequence and biophysical properties (such as structural, functional, and spatial information, amino acid conservation, physicochemical variation, residue mobility, and thermodynamic stability) has been performed at Invitae for this missense variant, however the output from this modeling did not meet the statistical confidence thresholds required to predict the impact of this variant on ALDH5A1 protein function. In summary, the available evidence is currently insufficient to determine the role of this variant in disease. Therefore, it has been classified as a Variant of Uncertain Significance.

Department of Pathology and Laboratory Medicine, Sinai Health System
Classification: Uncertain significance for succinic semialdehyde dehydrogenase deficiency. Last evaluated: 2021-11-16. Review status: criteria provided, single submitter. Criteria: ACMG Guidelines, 2015. Collection method: research. Allele origin: germline.